The following is an entry in ClinVar:

ClinVar aggregate classification (germline): Uncertain significance. Review status: criteria provided, multiple submitters, no conflicts (2 of 4 stars). 2 submissions from 2 submitters: Uncertain significance (2). Last evaluated 2024-06-04.

Conditions:
Hereditary cancer-predisposing syndrome. Also called: Hereditary Cancer Syndrome; Neoplastic Syndromes, Hereditary; Hereditary neoplastic syndrome; Tumor predisposition. Identifiers: Orphanet 140162, MedGen C0027672, MeSH D009386, MONDO:0015356.
Ataxia-telangiectasia syndrome (AT). Also called: Cerebello-oculocutaneous telangiectasia; Immunodeficiency with ataxia telangiectasia; Ataxia-telangiectasia, complementation group E; Ataxia-telangiectasia, complementation group D; AT, COMPLEMENTATION GROUP C; ATAXIA-TELANGIECTASIA, COMPLEMENTATION GROUP A. Identifiers: Orphanet 100, MedGen C0004135, MONDO:0008840, OMIM 208900.

Submissions (2):

Labcorp Genetics (formerly Invitae), Labcorp
Classification: Uncertain significance for Ataxia-telangiectasia syndrome. Last evaluated: 2024-06-04. Review status: criteria provided, single submitter. Criteria: Invitae Variant Classification Sherloc (09022015). Collection method: clinical testing. Allele origin: germline.
Comment: This sequence change replaces phenylalanine, which is neutral and non-polar, with serine, which is neutral and polar, at codon 1097 of the ATM protein (p.Phe1097Ser). This variant is not present in population databases (gnomAD no frequency). This variant has not been reported in the literature in individuals affected with ATM-related conditions. ClinVar contains an entry for this variant (Variation ID: 823455). An algorithm developed to predict the effect of missense changes on protein structure and function (PolyPhen-2) suggests that this variant is likely to be tolerated. In summary, the available evidence is currently insufficient to determine the role of this variant in disease. Therefore, it has been classified as a Variant of Uncertain Significance.

Ambry Genetics
Classification: Uncertain significance for Hereditary cancer-predisposing syndrome. Last evaluated: 2019-10-31. Review status: criteria provided, single submitter. Criteria: Ambry Variant Classification Scheme 2023. Collection method: clinical testing. Allele origin: germline.
Comment: The p.F1097S variant (also known as c.3290T>C), located in coding exon 22 of the ATM gene, results from a T to C substitution at nucleotide position 3290. The phenylalanine at codon 1097 is replaced by serine, an amino acid with highly dissimilar properties. This amino acid position is highly conserved in available vertebrate species. In addition, this alteration is predicted to be deleterious by in silico analysis. Since supporting evidence is limited at this time, the clinical significance of this alteration remains unclear.

NM_000051.4(ATM):c.3290T>C (p.Phe1097Ser)

Gene: ATM (ATM serine/threonine kinase; plus strand). Cytogenetic location: 11q22.3.
Variant type: single nucleotide variant.
Coding change: c.3290T>C on transcript NM_000051.4 (MANE Select); coding-DNA position 3290, T replaced by C.
Protein change: p.Phe1097Ser; replaces phenylalanine 1097 with serine.
Molecular consequence: missense variant.
Genome position (GRCh38, 1-based): chr11:108,279,496, T>C. VCF-style: chr11-108279496-T-C. GRCh37 (hg19) VCF-style: chr11-108150223-T-C.
Other names: c.3290T>C, p.Phe1097Ser (NM_001351834.2); short protein forms F1097S.
Identifiers: ClinVar variation 823455 (VCV000823455.6), dbSNP rs1591631881, ClinGen allele CA382517272.
Genomic context (GRCh38, chr11:108,279,496, plus strand): 5'-TGAAATTAGAAAATTATTTCACTTTTTGTTTGTTTGTTTGCTTGCTTGTTTTAAGATTGT[T>C]CCAGGACACGAAGGGAGATTCTTCCAGGTTACTGAAAGCACTTCCTTTGAAGCTTCAGCA-3'
Protein context (NP_000042.3, residues 1087-1107): MLAAESINRL[Phe1097Ser]QDTKGDSSRL